The following is an entry in ClinVar:

ClinVar aggregate classification (germline): Uncertain significance (1 of 4 stars; one submission).

Allele frequency attached by ClinVar (database versions not stated): gnomAD exomes below 0.00001; ExAC 0.00004.
gnomAD v4.1: 3 of 1,570,960 alleles (0.00019%); highest among the groups gnomAD compares: Admixed American, 0.0018%; no homozygotes.

Submission:

Labcorp Genetics (formerly Invitae), Labcorp
Classification: Uncertain significance. Last evaluated: 2022-06-24. Review status: criteria provided, single submitter. Criteria: Invitae Variant Classification Sherloc (09022015). Collection method: clinical testing. Allele origin: germline.
Comment: In summary, the available evidence is currently insufficient to determine the role of this variant in disease. Therefore, it has been classified as a Variant of Uncertain Significance. Algorithms developed to predict the effect of missense changes on protein structure and function (SIFT, PolyPhen-2, Align-GVGD) all suggest that this variant is likely to be tolerated. This variant has not been reported in the literature in individuals affected with CFAP410-related conditions. This variant is not present in population databases (gnomAD no frequency). This sequence change replaces histidine, which is basic and polar, with arginine, which is basic and polar, at codon 254 of the CFAP410 protein (p.His254Arg).

NM_004928.3(CFAP410):c.761A>G (p.His254Arg)

Gene: CFAP410 (cilia and flagella associated protein 410; minus strand). Cytogenetic location: 21q22.3.
Variant type: single nucleotide variant.
Coding change: c.761A>G on transcript NM_004928.3 (MANE Select); coding-DNA position 761, A replaced by G.
Protein change: p.His254Arg; replaces histidine 254 with arginine.
Molecular consequence: missense variant.
Genome position (GRCh38, 1-based): chr21:44,330,208, T>C on the plus strand (A>G on the coding strand, the complement: CFAP410 is on the minus strand). VCF-style: chr21-44330208-T-C. GRCh37 (hg19) VCF-style: chr21-45750091-T-C.
Other names: c.758A>G, p.His253Arg (NM_001271440.2); c.1118A>G, p.His373Arg (NM_001271441.2); c.635A>G, p.His212Arg (NM_001271442.1); short protein forms H212R, H253R, H373R, H254R.
Identifiers: ClinVar variation 1975335 (VCV001975335.5), dbSNP rs765058590, ClinGen allele CA10053466.